The following is an entry in ClinVar:

ClinVar aggregate classification (germline): Conflicting classifications of pathogenicity. Review status: criteria provided, conflicting classifications (1 of 4 stars). 3 submissions from 3 submitters: Uncertain significance (1); Likely benign (1). 1 of the submissions does not count toward it. Last evaluated 2026-01-24.

Allele frequency attached by ClinVar (database versions not stated): gnomAD 0.00001; gnomAD exomes 0.00001 and 0.00002; TOPMed 0.00001; ExAC 0.00002.
gnomAD v4.1: 21 of 1,614,060 alleles (0.0013%); highest among the groups gnomAD compares: Non-Finnish European, 0.0017%; no homozygotes.

Submissions (3):

Labcorp Genetics (formerly Invitae), Labcorp
Classification: Uncertain significance. Last evaluated: 2026-01-24. Review status: criteria provided, single submitter. Criteria: Invitae Variant Classification Sherloc (09022015). Collection method: clinical testing. Allele origin: germline.
Comment: This sequence change replaces leucine, which is neutral and non-polar, with serine, which is neutral and polar, at codon 403 of the TNFAIP3 protein (p.Leu403Ser). This variant is present in population databases (rs587778715, gnomAD 0.005%). This variant has not been reported in the literature in individuals affected with TNFAIP3-related conditions. ClinVar contains an entry for this variant (Variation ID: 135344). Invitae Evidence Modeling of protein sequence and biophysical properties (such as structural, functional, and spatial information, amino acid conservation, physicochemical variation, residue mobility, and thermodynamic stability) indicates that this missense variant is not expected to disrupt TNFAIP3 protein function with a negative predictive value of 80%. In summary, the available evidence is currently insufficient to determine the role of this variant in disease. Therefore, it has been classified as a Variant of Uncertain Significance.

Blueprint Genetics
Classification: Likely benign. Last evaluated: 2023-05-02. Review status: criteria provided, single submitter. Criteria: ACMG Guidelines, 2015. Collection method: clinical testing. Allele origin: germline.

ITMI
No classification provided. Condition: AllHighlyPenetrant. Last evaluated: 2013-09-19. Review status: no classification provided. Collection method: reference population. Allele origin: germline. Not counted in ClinVar's aggregate classification.
Comment: Please see associated publication for description of ethnicities

Literature cited by the submitters: PubMed 24728327 (cited by ITMI).

NM_001270508.2(TNFAIP3):c.1208T>C (p.Leu403Ser)

Gene: TNFAIP3 (TNF alpha induced protein 3; plus strand). Cytogenetic location: 6q23.3.
Variant type: single nucleotide variant.
Coding change: c.1208T>C on transcript NM_001270508.2 (MANE Select); coding-DNA position 1208, T replaced by C.
Protein change: p.Leu403Ser; replaces leucine 403 with serine.
Molecular consequence: missense variant.
Genome position (GRCh38, 1-based): chr6:137,878,653, T>C. VCF-style: chr6-137878653-T-C. GRCh37 (hg19) VCF-style: chr6-138199790-T-C.
Other names: c.1208T>C, p.Leu403Ser (NM_001270507.2, NM_006290.4); short protein forms L403S.
Identifiers: ClinVar variation 135344 (VCV000135344.4), dbSNP rs587778715, ClinGen allele CA162435.
Genomic context (GRCh38, chr6:137,878,653, plus strand): 5'-TGGATGTAAAATGTGAAACGCCCAACTGCCCCTTCTTCATGTCTGTGAACACCCAGCCTT[T>C]ATGCCATGAGTGCTCAGAGAGGCGGCAAAAGAATCAAAACAAACTCCCAAAGCTGAACTC-3'
Protein context (NP_001257437.1, residues 393-413): PFFMSVNTQP[Leu403Ser]CHECSERRQK